The following is an entry in ClinVar:

ClinVar aggregate classification (germline): Pathogenic (1 of 4 stars; one submission).

Conditions:
Osteogenesis imperfecta type I (OI1). Also called: OI, TYPE I; OSTEOGENESIS IMPERFECTA TARDA; OSTEOGENESIS IMPERFECTA WITH BLUE SCLERAE; Osteogenesis imperfecta type 1; Lobstein disease; Lobstein's Disease. Identifiers: Orphanet 216796, Orphanet 666, MedGen C0023931, MONDO:0008146, OMIM 166200. Disease mechanism: loss of function.

Submission:

Labcorp Genetics (formerly Invitae), Labcorp
Classification: Pathogenic for Osteogenesis imperfecta type I. Last evaluated: 2025-10-14. Review status: criteria provided, single submitter. Criteria: Invitae Variant Classification Sherloc (09022015). Collection method: clinical testing. Allele origin: germline.
Comment: This sequence change replaces glycine, which is neutral and non-polar, with serine, which is neutral and polar, at codon 854 of the COL1A1 protein (p.Gly854Ser). This variant is not present in population databases (gnomAD no frequency). This missense change has been observed in individual(s) with osteogenesis imperfecta (PMID: 17078022, 31737030). ClinVar contains an entry for this variant (Variation ID: 2138070). Experimental studies and prediction algorithms are not available or were not evaluated, and the functional significance of this variant is currently unknown. This variant disrupts the triple helix domain of COL1A1. Glycine residues within the Gly-Xaa-Yaa repeats of the triple helix domain are required for the structure and stability of fibrillar collagens (PMID: 7695699, 8218237, 19344236). In COL1A1, variants affecting these glycine residues are significantly enriched in individuals with disease (PMID: 9016532, 17078022) compared to the general population (ExAC). For these reasons, this variant has been classified as Pathogenic.

Literature cited by the submitters: PubMed 17078022; PubMed 31737030; PubMed 7695699; PubMed 8218237; PubMed 19344236; PubMed 9016532.

NM_000088.4(COL1A1):c.2560G>A (p.Gly854Ser)

Gene: COL1A1 (collagen type I alpha 1 chain; minus strand). Cytogenetic location: 17q21.33.
Variant type: single nucleotide variant.
Coding change: c.2560G>A on transcript NM_000088.4 (MANE Select); coding-DNA position 2560, G replaced by A.
Protein change: p.Gly854Ser; replaces glycine 854 with serine.
Molecular consequence: missense variant.
Genome position (GRCh38, 1-based): chr17:50,189,912, C>T on the plus strand (G>A on the coding strand, the complement: COL1A1 is on the minus strand). VCF-style: chr17-50189912-C-T. GRCh37 (hg19) VCF-style: chr17-48267273-C-T.
Other names: short protein forms G854S.
Identifiers: ClinVar variation 2138070 (VCV002138070.4), dbSNP rs72653140, ClinGen allele CA291543272.